The following is an entry in ClinVar:

NM_001286577.2(C2CD3):c.503C>T (p.Pro168Leu)

Gene: C2CD3 (C2 domain containing 3 centriole elongation regulator; minus strand). Cytogenetic location: 11q13.4.
Variant type: single nucleotide variant.
Coding change: c.503C>T on transcript NM_001286577.2 (MANE Select); coding-DNA position 503, C replaced by T.
Protein change: p.Pro168Leu; replaces proline 168 with leucine.
Molecular consequence: missense variant.
Genome position (GRCh38, 1-based): chr11:74,139,809, G>A on the plus strand (C>T on the coding strand, the complement: C2CD3 is on the minus strand). VCF-style: chr11-74139809-G-A. GRCh37 (hg19) VCF-style: chr11-73850854-G-A.
Other names: c.503C>T, p.Pro168Leu (NM_015531.6); short protein forms P168L.
Identifiers: ClinVar variation 1989437 (VCV001989437.3), dbSNP rs775805153, ClinGen allele CA6183201.
Genomic context (GRCh38, chr11:74,139,809, plus strand): 5'-ACATTTTCTGTCATGTCAGTGGTAGGAAGTGGATGGTAGCTGTCGTAAGTTTCTGACAGA[G>A]GTTCCAGGGCAAGTGAGACCTAAGAGAGACAGGTAGTATATGAGAAATTTTCTTTAGCAT-3'
Protein context (NP_001273506.1, residues 158-178): GELQVSLALE[Pro168Leu]LSETYDSYHP

ClinVar aggregate classification (germline): Uncertain significance (1 of 4 stars; one submission).

Allele frequency attached by ClinVar (database versions not stated): ExAC 0.00002; gnomAD exomes 0.00003; TOPMed 0.00006; gnomAD 0.00010.

Submission:

Labcorp Genetics (formerly Invitae), Labcorp
Classification: Uncertain significance. Last evaluated: 2023-11-24. Review status: criteria provided, single submitter. Criteria: Invitae Variant Classification Sherloc (09022015). Collection method: clinical testing. Allele origin: germline.
Comment: This sequence change replaces proline, which is neutral and non-polar, with leucine, which is neutral and non-polar, at codon 168 of the C2CD3 protein (p.Pro168Leu). This variant is present in population databases (rs775805153, gnomAD 0.02%). This variant has not been reported in the literature in individuals affected with C2CD3-related conditions. ClinVar contains an entry for this variant (Variation ID: 1989437). Advanced modeling of protein sequence and biophysical properties (such as structural, functional, and spatial information, amino acid conservation, physicochemical variation, residue mobility, and thermodynamic stability) performed at Invitae indicates that this missense variant is expected to disrupt C2CD3 protein function with a positive predictive value of 95%. In summary, the available evidence is currently insufficient to determine the role of this variant in disease. Therefore, it has been classified as a Variant of Uncertain Significance.